The following is an entry in ClinVar:

ClinVar aggregate classification (germline): Pathogenic. Review status: criteria provided, multiple submitters, no conflicts (2 of 4 stars). 2 submissions from 2 submitters: Pathogenic (2). Last evaluated 2023-01-30.

Conditions:
Hereditary cancer-predisposing syndrome. Also called: Hereditary Cancer Syndrome; Neoplastic Syndromes, Hereditary; Tumor predisposition; Hereditary neoplastic syndrome. Identifiers: Orphanet 140162, MedGen C0027672, MeSH D009386, MONDO:0015356.
Familial cancer of breast. Also called: BREAST CANCER, FAMILIAL; Hereditary breast cancer; hereditary breast carcinoma. Identifiers: Orphanet 227535, MedGen C0346153, MONDO:0016419, OMIM 114480. Disease mechanism: loss of function.

Submissions (2):

Labcorp Genetics (formerly Invitae), Labcorp
Classification: Pathogenic for Familial cancer of breast. Last evaluated: 2023-01-30. Review status: criteria provided, single submitter. Criteria: Invitae Variant Classification Sherloc (09022015). Collection method: clinical testing. Allele origin: germline.
Comment: For these reasons, this variant has been classified as Pathogenic. ClinVar contains an entry for this variant (Variation ID: 480287). This variant has not been reported in the literature in individuals affected with PALB2-related conditions. This variant is not present in population databases (gnomAD no frequency). This sequence change creates a premature translational stop signal (p.Pro358Glnfs*2) in the PALB2 gene. It is expected to result in an absent or disrupted protein product. Loss-of-function variants in PALB2 are known to be pathogenic (PMID: 17200668, 17200671, 17200672, 24136930, 25099575).

Ambry Genetics
Classification: Pathogenic for Hereditary cancer-predisposing syndrome. Last evaluated: 2018-05-15. Review status: criteria provided, single submitter. Criteria: Ambry Variant Classification Scheme 2023. Collection method: clinical testing. Allele origin: germline.
Comment: The c.1071_1072delTC pathogenic mutation, located in coding exon 4 of the PALB2 gene, results from a deletion of two nucleotides at nucleotide positions 1071 to 1072, causing a translational frameshift with a predicted alternate stop codon (p.P358Qfs*2). This alteration is expected to result in loss of function by premature protein truncation or nonsense-mediated mRNA decay. As such, this alteration is interpreted as a disease-causing mutation.

Literature cited by the submitters: PubMed 17200668 (cited by Labcorp Genetics (formerly Invitae), Labcorp); PubMed 17200671 (cited by Labcorp Genetics (formerly Invitae), Labcorp); PubMed 17200672 (cited by Labcorp Genetics (formerly Invitae), Labcorp); PubMed 24136930 (cited by Labcorp Genetics (formerly Invitae), Labcorp); PubMed 25099575 (cited by Labcorp Genetics (formerly Invitae), Labcorp).

NM_024675.4(PALB2):c.1071_1072del (p.Pro358fs)

Gene: PALB2 (partner and localizer of BRCA2; minus strand). Cytogenetic location: 16p12.2.
Variant type: Microsatellite.
Coding change: c.1071_1072del on transcript NM_024675.4 (MANE Select); coding-DNA positions 1071 to 1072, 2 bases deleted (TC; older notation c.1071_1072delTC).
Protein change: p.Pro358fs; shifts the reading frame from proline 358.
Molecular consequence: frameshift variant.
Genome position (GRCh38, 1-based): chr16:23,635,474-23,635,475, GA deleted on the plus strand (TC on the coding strand, the reverse complement: PALB2 is on the minus strand); deleting any 2 consecutive bases within chr16:23,635,474-23,635,477 gives the same sequence; the c. name uses the placement nearest the transcript's 3' end. VCF-style (leftmost placement, unchanged base first): chr16-23635473-GGA-G. GRCh37 (hg19) VCF-style: chr16-23646794-GGA-G.
Other names: c.1071_1072delTC (NM_024675.3); short protein forms P358fs.
Identifiers: ClinVar variation 480287 (VCV000480287.8), dbSNP rs1555461467, ClinGen allele CA658658431.